The following is an entry in ClinVar:

NM_001458.5(FLNC):c.700-1G>A

Gene: FLNC (filamin C; plus strand). Cytogenetic location: 7q32.1.
Variant type: single nucleotide variant.
Coding change: c.700-1G>A on transcript NM_001458.5 (MANE Select); the canonical splice acceptor site of the intron before coding-DNA position 700, G replaced by A.
Molecular consequence: splice acceptor variant.
Genome position (GRCh38, 1-based): chr7:128,837,397, G>A. VCF-style: chr7-128837397-G-A. GRCh37 (hg19) VCF-style: chr7-128477451-G-A.
Other names: c.700-1G>A (NM_001127487.2).
Identifiers: ClinVar variation 4812737 (VCV004812737.1).

ClinVar aggregate classification (germline): Likely pathogenic (1 of 4 stars; one submission).

Conditions:
Hypertrophic cardiomyopathy 26. Also called: Cardiomyopathy, familial hypertrophic, 26. Identifiers: Orphanet 75249, MedGen C4310749, MONDO:0014883, OMIM 617047.
Myofibrillar myopathy 5. Also called: Filaminopathy (type); FILAMINOPATHY, AUTOSOMAL DOMINANT. Identifiers: Orphanet 171445, MedGen C1836050, MONDO:0012289, OMIM 609524.
Distal myopathy with posterior leg and anterior hand involvement. Also called: WILLIAMS DISTAL MYOPATHY. Identifiers: Orphanet 63273, MedGen C3279722, MONDO:0013550, OMIM 614065.

Submission:

Labcorp Genetics (formerly Invitae), Labcorp
Classification: Likely pathogenic for Distal myopathy with posterior leg and anterior hand involvement; Myofibrillar myopathy 5; Hypertrophic cardiomyopathy 26. Last evaluated: 2025-09-22. Review status: criteria provided, single submitter. Criteria: Invitae Variant Classification Sherloc (09022015). Collection method: clinical testing. Allele origin: germline.
Comment: This sequence change affects an acceptor splice site in intron 3 of the FLNC gene. It is expected to disrupt RNA splicing. Variants that disrupt the donor or acceptor splice site typically lead to a loss of protein function (PMID: 16199547), and loss-of-function variants in FLNC are known to be pathogenic (PMID: 27908349). This variant is not present in population databases (gnomAD no frequency). This variant has not been reported in the literature in individuals affected with FLNC-related conditions. Algorithms developed to predict the effect of sequence changes on RNA splicing suggest that this variant may disrupt the consensus splice site. In summary, the currently available evidence indicates that the variant is pathogenic, but additional data are needed to prove that conclusively. Therefore, this variant has been classified as Likely Pathogenic.

Literature cited by the submitters: PubMed 16199547; PubMed 27908349.